The following is an entry in ClinVar:

ClinVar aggregate classification (germline): Uncertain significance (1 of 4 stars; one submission).

Conditions:
Parkinsonism-dystonia, infantile. Identifiers: Orphanet 238455, MedGen C2751067, MONDO:0013150.

gnomAD v4.1: 26 of 1,613,530 alleles (0.0016%); highest among the groups gnomAD compares: South Asian, 0.019%; no homozygotes.

Submission:

Labcorp Genetics (formerly Invitae), Labcorp
Classification: Uncertain significance for Parkinsonism-dystonia, infantile. Last evaluated: 2020-12-18. Review status: criteria provided, single submitter. Criteria: Invitae Variant Classification Sherloc (09022015). Collection method: clinical testing. Allele origin: germline.
Comment: This variant has not been reported in the literature in individuals with SLC6A3-related conditions. In summary, the available evidence is currently insufficient to determine the role of this variant in disease. Therefore, it has been classified as a Variant of Uncertain Significance. Algorithms developed to predict the effect of missense changes on protein structure and function (SIFT, PolyPhen-2, Align-GVGD) all suggest that this variant is likely to be tolerated, but these predictions have not been confirmed by published functional studies and their clinical significance is uncertain. This variant is present in population databases (rs146615804, ExAC 0.01%). This sequence change replaces aspartic acid with glutamic acid at codon 292 of the SLC6A3 protein (p.Asp292Glu). The aspartic acid residue is highly conserved and there is a small physicochemical difference between aspartic acid and glutamic acid.

NM_001044.5(SLC6A3):c.876C>A (p.Asp292Glu)

Gene: SLC6A3 (solute carrier family 6 member 3). Cytogenetic location: 5p15.33.
Variant type: single nucleotide variant.
Coding change: c.876C>A on transcript NM_001044.5 (MANE Select); coding-DNA position 876, C replaced by A.
Protein change: p.Asp292Glu; replaces aspartic acid 292 with glutamic acid.
Molecular consequence: missense variant.
Genome position (GRCh38, 1-based): chr5:1,420,620, G>T on the plus strand (C>A on the coding strand, the complement: SLC6A3 is on the minus strand). VCF-style: chr5-1420620-G-T. GRCh37 (hg19) VCF-style: chr5-1420735-G-T.
Other names: short protein forms D292E.
Identifiers: ClinVar variation 1432779 (VCV001432779.8), dbSNP rs146615804, ClinGen allele CA3186247.
Genomic context (GRCh38, chr5:1,420,620, plus strand): 5'-TGTACTCACAGACGCCTCGCAGAGCCGGTAGAAGTCAACGCTCAGGTATGCTCTGATGCC[G>T]TCTATGGCTCCAGGGAGGGTGACCCCACGCAGGAGCAGGGCAGTGAGGACCACGTATGGC-3'
Protein context (NP_001035.1, residues 282-302): LRGVTLPGAI[Asp292Glu]GIRAYLSVDF